The following is an entry in ClinVar:

NM_005993.5(TBCD):c.36C>G (p.Pro12=)

Gene: TBCD (tubulin folding cofactor D). Cytogenetic location: 17q25.3.
Variant type: single nucleotide variant.
Coding change: c.36C>G on transcript NM_005993.5 (MANE Select); coding-DNA position 36, C replaced by G.
Protein change: p.Pro12=; no amino-acid change (proline 12 retained).
Molecular consequence: synonymous variant.
Genome position (GRCh38, 1-based): chr17:82,752,229, C>G. VCF-style: chr17-82752229-C-G. GRCh37 (hg19) VCF-style: chr17-80710105-C-G.
Identifiers: ClinVar variation 762032 (VCV000762032.10), dbSNP rs1034716406, ClinGen allele CA295248444.

ClinVar aggregate classification (germline): Likely benign. Review status: criteria provided, multiple submitters, no conflicts (2 of 4 stars). 4 submissions from 4 submitters: Likely benign (4). Last evaluated 2026-05-01.

Conditions:
TBCD-related disorder. Also called: TBCD-related condition.

Allele frequency attached by ClinVar (database versions not stated): gnomAD exomes 0.00002; TOPMed 0.00004; gnomAD 0.00005; 1000 Genomes Project 30x 0.00016.

Submissions (4):

CeGaT Center for Human Genetics Tuebingen
Classification: Likely benign. Last evaluated: 2026-05-01. Review status: criteria provided, single submitter. Criteria: CeGaT Center For Human Genetics Tuebingen Variant Classification Criteria Version 2. Collection method: clinical testing. Allele origin: germline. Affected: yes. Observed: 1 variant allele.
Comment: TBCD: BP4, BP7

PreventionGenetics, part of Exact Sciences
Classification: Likely benign for TBCD-related condition. Last evaluated: 2025-12-29. Review status: criteria provided, single submitter. Criteria: ACMG Guidelines, 2015. Collection method: clinical testing. Allele origin: germline.
Comment: This variant is classified as likely benign based on ACMG/AMP sequence variant interpretation guidelines (Richards et al. 2015 PMID: 25741868, with internal and published modifications).

Labcorp Genetics (formerly Invitae), Labcorp
Classification: Likely benign. Last evaluated: 2025-09-02. Review status: criteria provided, single submitter. Criteria: Invitae Variant Classification Sherloc (09022015). Collection method: clinical testing. Allele origin: germline.

Blueprint Genetics
Classification: Likely benign. Last evaluated: 2024-06-26. Review status: criteria provided, single submitter. Criteria: ACMG Guidelines, 2015. Collection method: clinical testing. Allele origin: germline.